The following is an entry in ClinVar:

NM_000540.3(RYR1):c.7926+3G>C

Gene: RYR1 (ryanodine receptor 1; plus strand). Cytogenetic location: 19q13.2.
Variant type: single nucleotide variant.
Coding change: c.7926+3G>C on transcript NM_000540.3 (MANE Select); 3 bases into the intron after coding-DNA position 7926, G replaced by C.
Molecular consequence: intron variant.
Genome position (GRCh38, 1-based): chr19:38,502,973, G>C. VCF-style: chr19-38502973-G-C. GRCh37 (hg19) VCF-style: chr19-38993613-G-C.
Other names: c.7926+3G>C (NM_001042723.2).
Identifiers: ClinVar variation 662718 (VCV000662718.9), dbSNP rs1159843881, ClinGen allele CA633066178.
Genomic context (GRCh38, chr19:38,502,973, plus strand): 5'-GCGCCGCCTGGTGTTCGACGTGCCCATCCTCAACGAGTTCGCCAAGATGCCACTCAAGGT[G>C]AGGGCAAGCGCTCTTTAGCATCTCATTTCCAGGCCGCACCCACTGGTTTGCTCTTCCCTC-3'

ClinVar aggregate classification (germline): Uncertain significance. Review status: criteria provided, multiple submitters, no conflicts (2 of 4 stars). 2 submissions from 2 submitters: Uncertain significance (2). Last evaluated 2024-08-07.

Conditions:
RYR1-related disorder. Also called: RYR1-related condition; RYR1-related disorders. Identifiers: MedGen CN239331.
Malignant hyperthermia, susceptibility to, 1 (MHS1). Also called: Malignant hyperthermia suceptibility 1; RYR1-Related Malignant Hyperthermia Susceptibility; Anesthesia related hyperthermia; Malignant hyperpyrexia; Fulminating hyperpyrexia; Pharmacogenic myopathy. Identifiers: Orphanet 423, MedGen C2930980, MONDO:0007783, OMIM 145600.

Allele frequency attached by ClinVar (database versions not stated): gnomAD exomes 0.00001; TOPMed 0.00001.
gnomAD v4.1: 2 of 1,607,736 alleles (0.00012%); highest among the groups gnomAD compares: Admixed American, 0.0033%; no homozygotes.

Submissions (2):

Labcorp Genetics (formerly Invitae), Labcorp
Classification: Uncertain significance for RYR1-related disorder. Last evaluated: 2024-08-07. Review status: criteria provided, single submitter. Criteria: Invitae Variant Classification Sherloc (09022015). Collection method: clinical testing. Allele origin: germline.
Comment: This sequence change falls in intron 49 of the RYR1 gene. It does not directly change the encoded amino acid sequence of the RYR1 protein. It affects a nucleotide within the consensus splice site. This variant is present in population databases (no rsID available, gnomAD 0.006%). This variant has not been reported in the literature in individuals affected with RYR1-related conditions. ClinVar contains an entry for this variant (Variation ID: 662718). Variants that disrupt the consensus splice site are a relatively common cause of aberrant splicing (PMID: 17576681, 9536098). Algorithms developed to predict the effect of sequence changes on RNA splicing suggest that this variant is not likely to affect RNA splicing. In summary, the available evidence is currently insufficient to determine the role of this variant in disease. Therefore, it has been classified as a Variant of Uncertain Significance.

All of Us Research Program, National Institutes of Health
Classification: Uncertain significance for Malignant hyperthermia, susceptibility to, 1. Last evaluated: 2024-08-06. Review status: criteria provided, single submitter. Criteria: ACMG Guidelines, 2015. Collection method: clinical testing. Allele origin: germline. Inheritance: Autosomal dominant inheritance. Observed: 3 variant alleles, 3 heterozygotes.
Comment: This variant causes a G to C nucleotide substitution at the +3 position of intron 49 of the RYR1 gene. To our knowledge, functional studies have not been reported for this variant. This variant has not been reported in individuals affected with RYR1-related disorders in the literature. This variant has been identified in 2/246158 chromosomes in the general population by the Genome Aggregation Database (gnomAD). The available evidence is insufficient to determine the role of this variant in disease conclusively. Therefore, this variant is classified as a Variant of Uncertain Significance.

This study involves interpretation of variants in research participants for the purpose of population health screening. Participant phenotype was not available at the time of variant classification. Additional details can be found in publication PMID: 35346344, PMCID: PMC8962531

Literature cited by the submitters: PubMed 17576681 (cited by Labcorp Genetics (formerly Invitae), Labcorp); PubMed 9536098 (cited by Labcorp Genetics (formerly Invitae), Labcorp).